The following is an entry in ClinVar:

ClinVar aggregate classification (germline): Uncertain significance (1 of 4 stars; one submission).

Allele frequency attached by ClinVar (database versions not stated): gnomAD 0.00001 and 0.00003; gnomAD exomes 0.00002 and 0.00004; TOPMed 0.00002; 1000 Genomes Project 30x 0.00031; 1000 Genomes Project 0.00040; ExAC 0.00001.

Submission:

Labcorp Genetics (formerly Invitae), Labcorp
Classification: Uncertain significance. Last evaluated: 2022-08-23. Review status: criteria provided, single submitter. Criteria: Invitae Variant Classification Sherloc (09022015). Collection method: clinical testing. Allele origin: germline.
Comment: This variant has not been reported in the literature in individuals affected with PRPF4-related conditions. In summary, the available evidence is currently insufficient to determine the role of this variant in disease. Therefore, it has been classified as a Variant of Uncertain Significance. Algorithms developed to predict the effect of missense changes on protein structure and function are either unavailable or do not agree on the potential impact of this missense change (SIFT: "Deleterious"; PolyPhen-2: "Possibly Damaging"; Align-GVGD: "Class C0"). ClinVar contains an entry for this variant (Variation ID: 1054359). This variant is present in population databases (rs566646223, gnomAD 0.007%). This sequence change replaces threonine, which is neutral and polar, with isoleucine, which is neutral and non-polar, at codon 268 of the PRPF4 protein (p.Thr268Ile).

NM_001244926.2(PRPF4):c.800C>T (p.Thr267Ile)

Gene: PRPF4 (pre-mRNA splicing tri-snRNP complex factor PRPF4; plus strand). Cytogenetic location: 9q32.
Variant type: single nucleotide variant.
Coding change: c.800C>T on transcript NM_001244926.2 (MANE Select); coding-DNA position 800, C replaced by T.
Protein change: p.Thr267Ile; replaces threonine 267 with isoleucine.
Molecular consequence: missense variant. On other transcripts: non-coding transcript variant (2).
Genome position (GRCh38, 1-based): chr9:113,286,282, C>T. VCF-style: chr9-113286282-C-T. GRCh37 (hg19) VCF-style: chr9-116048562-C-T.
Other names: c.74C>T, p.Thr25Ile (NM_001322266.2, NM_001322267.2); c.803C>T, p.Thr268Ile (NM_004697.5); short protein forms T25I, T267I, T268I.
Identifiers: ClinVar variation 1054359 (VCV001054359.9), dbSNP rs566646223, ClinGen allele CA5195001.